The following is an entry in ClinVar:

ClinVar aggregate classification (germline): Pathogenic/Likely pathogenic. Review status: criteria provided, multiple submitters, no conflicts (2 of 4 stars). 4 submissions from 4 submitters: Pathogenic (3); Likely pathogenic (1). Last evaluated 2024-07-03.

Conditions:
Hereditary nonpolyposis colorectal neoplasms. Identifiers: MedGen C0009405, MeSH D003123.
Hereditary cancer-predisposing syndrome. Also called: Neoplastic Syndromes, Hereditary; Tumor predisposition; Hereditary Cancer Syndrome; Hereditary neoplastic syndrome. Identifiers: Orphanet 140162, MedGen C0027672, MeSH D009386, MONDO:0015356.
Lynch syndrome 5 (LYNCH5). Also called: Colorectal cancer, hereditary nonpolyposis, type 5; Hereditary non-polyposis colorectal cancer, type 5. Identifiers: Orphanet 144, MedGen C1833477, MONDO:0013710, OMIM 614350. Disease mechanism: loss of function.

Submissions (4):

Myriad Genetics, Inc.
Classification: Pathogenic for Lynch syndrome 5. Last evaluated: 2024-07-03. Review status: criteria provided, single submitter. Criteria: Myriad Autosomal Dominant, Autosomal Recessive and X-Linked Classification Criteria (2023). Collection method: clinical testing. Allele origin: unknown.
Comment: This variant is considered pathogenic. This variant creates a frameshift predicted to result in premature protein truncation.

Institute for Genomic Medicine (IGM) Clinical Laboratory, Nationwide Children's Hospital
Classification: Likely pathogenic for Hereditary cancer-predisposing syndrome. Last evaluated: 2023-12-07. Review status: criteria provided, single submitter. Criteria: ACMG Guidelines, 2015. Collection method: clinical testing. Allele origin: germline.
Comment: This variant is predicted to result in loss of function through nonsense-mediated decay of the encoded transcript or premature truncation of the encoded protein in a gene in which loss of function is a known mechanism of disease (ACMG/AMP: PVS1; PMIDs:18269114, 24362816). This variant is absent from or present at an exceedingly low frequency in gnomAD, a large-scale control population database (ACMG/AMP: PM2).

Labcorp Genetics (formerly Invitae), Labcorp
Classification: Pathogenic for Hereditary nonpolyposis colorectal neoplasms. Last evaluated: 2023-01-15. Review status: criteria provided, single submitter. Criteria: Invitae Variant Classification Sherloc (09022015). Collection method: clinical testing. Allele origin: germline.
Comment: For these reasons, this variant has been classified as Pathogenic. ClinVar contains an entry for this variant (Variation ID: 650960). This variant has not been reported in the literature in individuals affected with MSH6-related conditions. This variant is not present in population databases (gnomAD no frequency). This sequence change creates a premature translational stop signal (p.Leu681Serfs*4) in the MSH6 gene. It is expected to result in an absent or disrupted protein product. Loss-of-function variants in MSH6 are known to be pathogenic (PMID: 18269114, 24362816).

Ambry Genetics
Classification: Pathogenic for Hereditary cancer-predisposing syndrome. Last evaluated: 2018-04-23. Review status: criteria provided, single submitter. Criteria: Ambry Variant Classification Scheme 2023. Collection method: clinical testing. Allele origin: germline.
Comment: The c.2041delC pathogenic mutation, located in coding exon 4 of the MSH6 gene, results from a deletion of one nucleotide at nucleotide position 2041, causing a translational frameshift with a predicted alternate stop codon (p.L681Sfs*4). This alteration is expected to result in loss of function by premature protein truncation or nonsense-mediated mRNA decay. As such, this alteration is interpreted as a disease-causing mutation.

Literature cited by the submitters: PubMed 18269114 (cited by Institute for Genomic Medicine (IGM) Clinical Laboratory, Nationwide Children's Hospital and Labcorp Genetics (formerly Invitae), Labcorp); PubMed 24362816 (cited by Institute for Genomic Medicine (IGM) Clinical Laboratory, Nationwide Children's Hospital and Labcorp Genetics (formerly Invitae), Labcorp).

NM_000179.3(MSH6):c.2041del (p.Leu681fs)

Gene: MSH6 (mutS homolog 6; plus strand). Cytogenetic location: 2p16.3.
Variant type: Deletion.
Coding change: c.2041del on transcript NM_000179.3 (MANE Select); coding-DNA position 2041, one base deleted (C; older notation c.2041delC).
Protein change: p.Leu681fs; shifts the reading frame from leucine 681.
Molecular consequence: frameshift variant.
Genome position (GRCh38, 1-based): chr2:47,800,024, C deleted; the last of 3 consecutive C bases (chr2:47,800,022-47,800,024); deleting any one gives the same sequence. VCF-style (leftmost placement, unchanged base first): chr2-47800021-GC-G. GRCh37 (hg19) VCF-style: chr2-48027160-GC-G.
Other names: c.1651del, p.Leu551fs (NM_001281492.2); c.1135del, p.Leu379fs (NM_001281493.2, NM_001281494.2); c.2041delC (NM_000179.2); short protein forms L551fs, L681fs, L379fs.
Identifiers: ClinVar variation 650960 (VCV000650960.10), dbSNP rs1572725436, ClinGen allele CA915943925.